The following is an entry in ClinVar:

NM_001563.4(IMPG1):c.755C>G (p.Ala252Gly)

Gene: IMPG1 (interphotoreceptor matrix proteoglycan 1; minus strand). Cytogenetic location: 6q14.1.
Variant type: single nucleotide variant.
Coding change: c.755C>G on transcript NM_001563.4 (MANE Select); coding-DNA position 755, C replaced by G.
Protein change: p.Ala252Gly; replaces alanine 252 with glycine.
Molecular consequence: missense variant.
Genome position (GRCh38, 1-based): chr6:76,018,770, G>C on the plus strand (C>G on the coding strand, the complement: IMPG1 is on the minus strand). VCF-style: chr6-76018770-G-C. GRCh37 (hg19) VCF-style: chr6-76728487-G-C.
Other names: c.521C>G, p.Ala174Gly (NM_001282368.2); short protein forms A174G, A252G.
Identifiers: ClinVar variation 972476 (VCV000972476.10), dbSNP rs756870882, ClinGen allele CA3898348.
Genomic context (GRCh38, chr6:76,018,770, plus strand): 5'-CTACTCACCTGAAGTTGGGACTTTCCTGCTAGCTCCTGGTAATATGGGGACTGGGAGTCA[G>C]CGAGCTCTGCCTTGAACTTCTGGTTTACCAGAGAGACGCTGAGCTCCACCCTCTGCTCCT-3'
Protein context (NP_001554.2, residues 242-262): LVNQKFKAEL[Ala252Gly]DSQSPYYQEL

ClinVar aggregate classification (germline): Uncertain significance (1 of 4 stars; one submission).

Allele frequency attached by ClinVar (database versions not stated): gnomAD exomes 0.00004; TOPMed 0.00005; ExAC 0.00006; gnomAD 0.00006.

Submission:

Labcorp Genetics (formerly Invitae), Labcorp
Classification: Uncertain significance. Last evaluated: 2025-10-14. Review status: criteria provided, single submitter. Criteria: Invitae Variant Classification Sherloc (09022015). Collection method: clinical testing. Allele origin: germline.
Comment: This sequence change replaces alanine, which is neutral and non-polar, with glycine, which is neutral and non-polar, at codon 252 of the IMPG1 protein (p.Ala252Gly). This variant is present in population databases (rs756870882, gnomAD 0.01%). This variant has not been reported in the literature in individuals affected with IMPG1-related conditions. ClinVar contains an entry for this variant (Variation ID: 972476). An algorithm developed to predict the effect of missense changes on protein structure and function (PolyPhen-2) suggests that this variant is likely to be tolerated. In summary, the available evidence is currently insufficient to determine the role of this variant in disease. Therefore, it has been classified as a Variant of Uncertain Significance.